The following is an entry in ClinVar:

ClinVar aggregate classification (germline): Uncertain significance. Review status: criteria provided, multiple submitters, no conflicts (2 of 4 stars). 2 submissions from 2 submitters: Uncertain significance (2). Last evaluated 2024-05-04.

Conditions:
Cardiovascular phenotype. Identifiers: MedGen CN230736.
RASopathy. Also called: rasopathies; Noonan spectrum disorder. Identifiers: Orphanet 536391, MedGen C5555857, MONDO:0021060.

gnomAD v4.1: 3 of 1,606,280 alleles (0.00019%); highest among the groups gnomAD compares: Non-Finnish European, 0.00025%; no homozygotes.

Submissions (2):

Labcorp Genetics (formerly Invitae), Labcorp
Classification: Uncertain significance for RASopathy. Last evaluated: 2024-05-04. Review status: criteria provided, single submitter. Criteria: Invitae Variant Classification Sherloc (09022015). Collection method: clinical testing. Allele origin: germline.
Comment: This sequence change replaces proline, which is neutral and non-polar, with leucine, which is neutral and non-polar, at codon 291 of the MAP2K2 protein (p.Pro291Leu). This variant is not present in population databases (gnomAD no frequency). This variant has not been reported in the literature in individuals affected with MAP2K2-related conditions. ClinVar contains an entry for this variant (Variation ID: 1503846). Advanced modeling performed at Invitae incorporating data from internal and/or published experimental studies (Invitae) indicates that this missense variant is not expected to disrupt MAP2K2 function with a negative predictive value of 95%. In summary, the available evidence is currently insufficient to determine the role of this variant in disease. Therefore, it has been classified as a Variant of Uncertain Significance.

Ambry Genetics
Classification: Uncertain significance for Cardiovascular phenotype. Last evaluated: 2023-05-14. Review status: criteria provided, single submitter. Criteria: Ambry Variant Classification Scheme 2023. Collection method: clinical testing. Allele origin: germline.
Comment: The p.P291L variant (also known as c.872C>T), located in coding exon 7 of the MAP2K2 gene, results from a C to T substitution at nucleotide position 872. The proline at codon 291 is replaced by leucine, an amino acid with similar properties. This amino acid position is conserved. In addition, this alteration is predicted to be tolerated by in silico analysis. Since supporting evidence is limited at this time, the clinical significance of this alteration remains unclear.

NM_030662.4(MAP2K2):c.872C>T (p.Pro291Leu)

Gene: MAP2K2 (mitogen-activated protein kinase kinase 2; minus strand). Cytogenetic location: 19p13.3.
Variant type: single nucleotide variant.
Coding change: c.872C>T on transcript NM_030662.4 (MANE Select); coding-DNA position 872, C replaced by T.
Protein change: p.Pro291Leu; replaces proline 291 with leucine.
Molecular consequence: missense variant.
Genome position (GRCh38, 1-based): chr19:4,099,248, G>A on the plus strand (C>T on the coding strand, the complement: MAP2K2 is on the minus strand). VCF-style: chr19-4099248-G-A. GRCh37 (hg19) VCF-style: chr19-4099246-G-A.
Other names: c.872C>T (NM_030662.3); short protein forms P291L.
Identifiers: ClinVar variation 1503846 (VCV001503846.9), dbSNP rs752436529, ClinGen allele CA403385328.
Genomic context (GRCh38, chr19:4,099,248, plus strand): 5'-ATTCAGGCCGTACCGCTGACGGGGCGCCCGGGGGGCCTCGGCCGAGGCGAGATGCTGTGA[G>A]GCTCTCCTTCTTCCCCGTCGACCACGGGCCGGCCAAAGATGGCCTCCAGCTCTTTGGCGT-3'
Protein context (NP_109587.1, residues 281-301): RPVVDGEEGE[Pro291Leu]HSISPRPRPP